The following is an entry in ClinVar:

ClinVar aggregate classification (germline): Likely benign (1 of 4 stars; one submission).

Conditions:
Arrhythmogenic cardiomyopathy with wooly hair and keratoderma. Also called: Carvajal syndrome; PALMOPLANTAR KERATODERMA WITH LEFT VENTRICULAR CARDIOMYOPATHY AND WOOLLY HAIR; Dilated cardiomyopathy with woolly hair and keratoderma; Arrhythmogenic cardiomyopathy with woolly hair and keratoderma. Identifiers: Orphanet 65282, MedGen C1854063, MONDO:0011581, OMIM 605676.

Submission:

All of Us Research Program, National Institutes of Health
Classification: Likely benign for Arrhythmogenic cardiomyopathy with wooly hair and keratoderma. Last evaluated: 2024-02-22. Review status: criteria provided, single submitter. Criteria: ACMG Guidelines, 2015. Collection method: clinical testing. Allele origin: germline. Inheritance: Autosomal dominant inheritance. Observed: 1 variant allele, 1 heterozygote.
Comment: This study involves interpretation of variants in research participants for the purpose of population health screening. Participant phenotype was not available at the time of variant classification. Additional details can be found in publication PMID: 35346344, PMCID: PMC8962531

NM_004415.4(DSP):c.1273C>A (p.Arg425=)

Gene: DSP (desmoplakin; plus strand). Cytogenetic location: 6p24.3.
Variant type: single nucleotide variant.
Coding change: c.1273C>A on transcript NM_004415.4 (MANE Select); coding-DNA position 1273, C replaced by A.
Protein change: p.Arg425=; no amino-acid change (arginine 425 retained).
Molecular consequence: synonymous variant.
Genome position (GRCh38, 1-based): chr6:7,568,443, C>A. VCF-style: chr6-7568443-C-A. GRCh37 (hg19) VCF-style: chr6-7568676-C-A.
Other names: c.1273C>A, p.Arg425= (NM_001008844.3, NM_001319034.2, NM_001406591.1).
Identifiers: ClinVar variation 3386626 (VCV003386626.1).
Genomic context (GRCh38, chr6:7,568,443, plus strand): 5'-CTCTAAAACTCACAGGGTATCTATGTTTAAGTATGATTTTATTCACCATTGCAGAAAGAA[C>A]GAGAGAAAATCCTTGAATACAAGCGTCAGGTGCAGAACTTGGTAAACAAGTCTAAGAAGA-3'
Protein context (NP_004406.2, residues 415-435): LEQIKELEKE[Arg425=]EKILEYKRQV